The following is an entry in ClinVar:

NM_001322934.2(NFKB2):c.945G>A (p.Gly315=)

Gene: NFKB2 (nuclear factor kappa B subunit 2; plus strand). Cytogenetic location: 10q24.32.
Variant type: single nucleotide variant.
Coding change: c.945G>A on transcript NM_001322934.2 (MANE Select); coding-DNA position 945, G replaced by A.
Protein change: p.Gly315=; no amino-acid change (glycine 315 retained).
Molecular consequence: synonymous variant.
Genome position (GRCh38, 1-based): chr10:102,398,477, G>A. VCF-style: chr10-102398477-G-A. GRCh37 (hg19) VCF-style: chr10-104158234-G-A.
Other names: c.945G>A, p.Gly315= (NM_001077493.1, NM_001077494.3, NM_001261403.3 and 3 more transcripts).
Identifiers: ClinVar variation 3044691 (VCV003044691.15), dbSNP rs867702104, ClinGen allele CA212215188.

ClinVar aggregate classification (germline): Likely benign. Review status: criteria provided, single submitter (1 of 4 stars). 2 submissions from 2 submitters: Likely benign (1). 1 of the submissions does not count toward it. Last evaluated 2025-02-01.

Conditions:
NFKB2-related disorder. Also called: NFKB2-related condition.

Allele frequency attached by ClinVar (database versions not stated): gnomAD exomes below 0.00001.
gnomAD v4.1: 1 of 1,614,200 alleles (0.000062%); highest among the groups gnomAD compares: Middle Eastern, 0.016%; no homozygotes.

Submissions (2):

CeGaT Center for Human Genetics Tuebingen
Classification: Likely benign. Last evaluated: 2025-02-01. Review status: criteria provided, single submitter. Criteria: CeGaT Center For Human Genetics Tuebingen Variant Classification Criteria Version 2. Collection method: clinical testing. Allele origin: germline. Affected: yes. Observed: 1 variant allele.
Comment: NFKB2: BP4, BP7

PreventionGenetics, part of Exact Sciences
Classification: Likely benign for NFKB2-related condition. Last evaluated: 2022-12-15. Review status: no assertion criteria provided. Collection method: clinical testing. Allele origin: germline. Not counted in ClinVar's aggregate classification.
Comment: This variant is classified as likely benign based on ACMG/AMP sequence variant interpretation guidelines (Richards et al. 2015 PMID: 25741868, with internal and published modifications).